The following is an entry in ClinVar:

NC_000007.13:g.(?_124499001)_(124511105_?)del

Gene: POT1 (protection of telomeres 1; minus strand). Cytogenetic location: 7q31.33.
Variant type: Deletion.
Identifiers: ClinVar variation 1036449 (VCV001036449.6).

ClinVar aggregate classification (germline): Pathogenic (1 of 4 stars; one submission).

Conditions:
Tumor predisposition syndrome 3 (TPDS3). Also called: Melanoma, cutaneous malignant, susceptibility to, 10; Glioma susceptibility 9; LONG TELOMERE SYNDROME, POT1-RELATED; POT1 Tumor Predisposition. Identifiers: Orphanet 618, MedGen C4014476, MONDO:0014368, OMIM 615848.

Submission:

Labcorp Genetics (formerly Invitae), Labcorp
Classification: Pathogenic for Tumor predisposition syndrome 3. Last evaluated: 2021-09-22. Review status: criteria provided, single submitter. Criteria: Invitae Variant Classification Sherloc (09022015). Collection method: clinical testing. Allele origin: germline.
Comment: For these reasons, this variant has been classified as Pathogenic. This variant has not been reported in the literature in individuals affected with POT1-related conditions. This variant is a gross deletion of the genomic region encompassing exon(s) 7-9 of the POT1 gene. This deletion is out-of-frame, and is expected to create a premature termination codon and result in an absent or disrupted protein product. Loss-of-function variants in POT1 are known to be pathogenic (PMID: 32155570).

Literature cited by the submitters: PubMed 32155570.